The following is an entry in ClinVar:

NM_130468.4(CHST14):c.325C>T (p.Arg109Trp)

Gene: CHST14 (carbohydrate sulfotransferase 14; plus strand). Cytogenetic location: 15q15.1.
Variant type: single nucleotide variant.
Coding change: c.325C>T on transcript NM_130468.4 (MANE Select); coding-DNA position 325, C replaced by T.
Protein change: p.Arg109Trp; replaces arginine 109 with tryptophan.
Molecular consequence: missense variant.
Genome position (GRCh38, 1-based): chr15:40,471,538, C>T. VCF-style: chr15-40471538-C-T. GRCh37 (hg19) VCF-style: chr15-40763737-C-T.
Other names: short protein forms R109W.
Identifiers: ClinVar variation 1435425 (VCV001435425.8), dbSNP rs201632751, ClinGen allele CA7481581.
Genomic context (GRCh38, chr15:40,471,538, plus strand): 5'-AAGCCTGGGGGCCTGTCCCTCAGGGCTGGGGACGCGGACTTGCAAGTGCGGCAGGACGTC[C>T]GGAACAGGACCCTGCGGGCGGTGTGCGGACAGCCAGGCATGCCCCGGGACCCCTGGGACT-3'
Protein context (NP_569735.1, residues 99-119): DADLQVRQDV[Arg109Trp]NRTLRAVCGQ

ClinVar aggregate classification (germline): Uncertain significance. Review status: criteria provided, multiple submitters, no conflicts (2 of 4 stars). 2 submissions from 2 submitters: Uncertain significance (2). Last evaluated 2022-08-24.

Conditions:
Cardiovascular phenotype. Identifiers: MedGen CN230736.
Ehlers-Danlos syndrome, musculocontractural type (EDSMC). Also called: ARTHROGRYPOSIS, DISTAL, WITH PECULIAR FACIES AND HYDRONEPHROSIS; DUNDAR SYNDROME; ADDUCTED THUMB-CLUBFOOT SYNDROME; Adducted thumb, clubfoot, progressive joint and skin laxity syndrome. Identifiers: Orphanet 2953, MedGen C1866294, MONDO:0011142.

Allele frequency attached by ClinVar (database versions not stated): gnomAD 0.00001; TOPMed 0.00001; 1000 Genomes Project 0.00020; 1000 Genomes Project 30x 0.00031.

Submissions (2):

Ambry Genetics
Classification: Uncertain significance for Cardiovascular phenotype. Last evaluated: 2022-08-24. Review status: criteria provided, single submitter. Criteria: Ambry Variant Classification Scheme 2023. Collection method: clinical testing. Allele origin: germline.
Comment: The p.R109W variant (also known as c.325C>T), located in coding exon 1 of the CHST14 gene, results from a C to T substitution at nucleotide position 325. The arginine at codon 109 is replaced by tryptophan, an amino acid with dissimilar properties. This amino acid position is conserved. In addition, this alteration is predicted to be deleterious by in silico analysis. Since supporting evidence is limited at this time, the clinical significance of this alteration remains unclear.

Labcorp Genetics (formerly Invitae), Labcorp
Classification: Uncertain significance for Ehlers-Danlos syndrome, musculocontractural type. Last evaluated: 2021-11-12. Review status: criteria provided, single submitter. Criteria: Invitae Variant Classification Sherloc (09022015). Collection method: clinical testing. Allele origin: germline.
Comment: This sequence change replaces arginine, which is basic and polar, with tryptophan, which is neutral and slightly polar, at codon 109 of the CHST14 protein (p.Arg109Trp). In summary, the available evidence is currently insufficient to determine the role of this variant in disease. Therefore, it has been classified as a Variant of Uncertain Significance. Algorithms developed to predict the effect of missense changes on protein structure and function are either unavailable or do not agree on the potential impact of this missense change (SIFT: "Deleterious"; PolyPhen-2: "Probably Damaging"; Align-GVGD: "Class C0"). This variant has not been reported in the literature in individuals affected with CHST14-related conditions. This variant is present in population databases (rs201632751, gnomAD 0.007%).